The following is an entry in ClinVar:

ClinVar aggregate classification (germline): Uncertain significance. Review status: criteria provided, multiple submitters, no conflicts (2 of 4 stars). 3 submissions from 3 submitters: Uncertain significance (3). Last evaluated 2026-09-17.

Conditions:
Factor H deficiency (CFHD). Also called: COMPLEMENT FACTOR H DEFICIENCY; CFH DEFICIENCY. Identifiers: Orphanet 200421, MedGen C0398777, MONDO:0012350, OMIM 609814.
Hemolytic uremic syndrome, atypical, susceptibility to, 1. Also called: AHUS, SUSCEPTIBILITY TO, 1. Identifiers: Orphanet 2134, Orphanet 90038, MedGen C2749604, MONDO:0009335, OMIM 235400. Disease mechanism: Other.

gnomAD v4.1: 1 of 1,591,320 alleles (0.000063%); highest among the groups gnomAD compares: Non-Finnish European, 0.000086%; no homozygotes.

Submissions (3):

Genomenon, Inc
Classification: Uncertain significance for Factor H deficiency. Last evaluated: 2026-09-17. Review status: criteria provided, single submitter. Criteria: Genomenon Sequence Variant Interpretation Standards - Updated. Collection method: curation. Allele origin: germline. Affected: yes.
Comment: CFH p.Gly117Arg (c.349G>A) is a missense variant that changes the amino acid at codon 117 from glycine to arginine. This variant has been observed in at least one proband affected with complement factor H deficiency (PMID: 30077216). It is absent or not present at a significant frequency in gnomAD. In silico models predict that this variant is possibly or probably damaging. In conclusion, we classify CFH p.Gly117Arg (c.349G>A) as a variant of uncertain significance.

Medgenome Labs Ltd
Classification: Uncertain significance for Hemolytic uremic syndrome, atypical, susceptibility to, 1. Last evaluated: 2026-07-07. Review status: criteria provided, single submitter. Criteria: ACMG Guidelines, 2015. Collection method: clinical testing. Allele origin: germline. Affected: yes.

Mayo Clinic Laboratories, Mayo Clinic
Classification: Uncertain significance. Last evaluated: 2021-03-16. Review status: criteria provided, single submitter. Criteria: ACMG Guidelines, 2015. Collection method: clinical testing. Allele origin: germline. Observed: 1 variant allele.

Literature cited by the submitters: PubMed 30077216 (cited by Genomenon, Inc).

NM_000186.4(CFH):c.349G>A (p.Gly117Arg)

Gene: CFH (complement factor H; plus strand). Cytogenetic location: 1q31.3.
Variant type: single nucleotide variant.
Coding change: c.349G>A on transcript NM_000186.4 (MANE Select); coding-DNA position 349, G replaced by A.
Protein change: p.Gly117Arg; replaces glycine 117 with arginine.
Molecular consequence: missense variant.
Genome position (GRCh38, 1-based): chr1:196,673,961, G>A. VCF-style: chr1-196673961-G-A. GRCh37 (hg19) VCF-style: chr1-196643091-G-A.
Other names: c.349G>A, p.Gly117Arg (NM_001014975.3); short protein forms G117R.
Identifiers: ClinVar variation 1162884 (VCV001162884.8), dbSNP rs2149078297, ClinGen allele CA343976362.